The following is an entry in ClinVar:

ClinVar aggregate classification (germline): Pathogenic. Review status: criteria provided, multiple submitters, no conflicts (2 of 4 stars). 3 submissions from 3 submitters: Pathogenic (2). 1 of the submissions does not count toward it. Last evaluated 2022-07-06.

Conditions:
Stargardt disease (FFM). Also called: Stargardt's disease; Fundus flavimaculatus. Identifiers: Orphanet 827, MedGen C0271093, MONDO:0019353.
PRPH2-related disorder. Also called: PRPH2-related condition; PRPH2-related disorders. Identifiers: MedGen CN239395.

Submissions (3):

Labcorp Genetics (formerly Invitae), Labcorp
Classification: Pathogenic for PRPH2-related disorder. Last evaluated: 2022-07-06. Review status: criteria provided, single submitter. Criteria: Invitae Variant Classification Sherloc (09022015). Collection method: clinical testing. Allele origin: germline.
Comment: This variant disrupts the p.Cys213 amino acid residue in PRPH2. Other variant(s) that disrupt this residue have been determined to be pathogenic (PMID: 32531846; Invitae). This suggests that this residue is clinically significant, and that variants that disrupt this residue are likely to be disease-causing. For these reasons, this variant has been classified as Pathogenic. Advanced modeling of protein sequence and biophysical properties (such as structural, functional, and spatial information, amino acid conservation, physicochemical variation, residue mobility, and thermodynamic stability) performed at Invitae indicates that this missense variant is expected to disrupt PRPH2 protein function. ClinVar contains an entry for this variant (Variation ID: 973713). This missense change has been observed in individuals with pattern dystrophy and/or Stargardt disease (PMID: 11934323, 32531846). It has also been observed to segregate with disease in related individuals. This variant is not present in population databases (gnomAD no frequency). This sequence change replaces cysteine, which is neutral and slightly polar, with serine, which is neutral and polar, at codon 213 of the PRPH2 protein (p.Cys213Ser).

NEI Ophthalmic Genomics Laboratory, National Institutes of Health
Classification: Pathogenic for Stargardt disease. Last evaluated: 2020-01-07. Review status: criteria provided, single submitter. Criteria: ACMG Guidelines, 2015. Collection method: clinical testing. Allele origin: germline. Affected: yes.
Comment: The variant NM_000322.4:c.638G>C in the PRPH2 gene has not been reported to our knowledge . We found this variant in 2 patient(s) in a PRPH2 cohort study (Reeves et al. 2020). This variant is not listed in dbSNP and/or HGMD. It is absent in gnomAD browser. This variant is not already listed in ClinVar. It is enriched in the PRPH2 disease cohort. We invoked ACMG criteria [PS4, PP1-M, PM1, PM2, PM5, PP3] and classified NM_000322.4:c.638G>C in the PRPH2 gene as a Pathogenic mutation.

Leiden Open Variation Database
Classification: Likely pathogenic. Last evaluated: 2021-04-06. Review status: no assertion criteria provided. Collection method: curation. Allele origin: germline. Affected: yes. Not counted in ClinVar's aggregate classification.
Comment: Curator: Global Variome, with Curator vacancy. Submitter to LOVD: Manon Peeters.

Literature cited by the submitters: PubMed 32531846 (cited by Labcorp Genetics (formerly Invitae), Labcorp and Leiden Open Variation Database); PubMed 11934323 (cited by Labcorp Genetics (formerly Invitae), Labcorp); PubMed 26024099 (cited by Leiden Open Variation Database).

NM_000322.5(PRPH2):c.638G>C (p.Cys213Ser)

Gene: PRPH2 (peripherin 2; minus strand). Cytogenetic location: 6p21.1.
Variant type: single nucleotide variant.
Coding change: c.638G>C on transcript NM_000322.5 (MANE Select); coding-DNA position 638, G replaced by C.
Protein change: p.Cys213Ser; replaces cysteine 213 with serine.
Molecular consequence: missense variant.
Genome position (GRCh38, 1-based): chr6:42,704,555, C>G on the plus strand (G>C on the coding strand, the complement: PRPH2 is on the minus strand). VCF-style: chr6-42704555-C-G. GRCh37 (hg19) VCF-style: chr6-42672293-C-G.
Other names: short protein forms C213S.
Identifiers: ClinVar variation 973713 (VCV000973713.7), dbSNP rs61755803, ClinGen allele CA364135589.